The following is an entry in ClinVar:

ClinVar aggregate classification (germline): Uncertain significance (0 of 4 stars; one submission).

Conditions:
SALL4-Related Disorders. Also called: SALL4-related condition; SALL4-related disorder. Identifiers: MedGen CN381056.

Submission:

PreventionGenetics, part of Exact Sciences
Classification: Uncertain significance for SALL4-related condition. Last evaluated: 2024-04-16. Review status: no assertion criteria provided. Collection method: clinical testing. Allele origin: germline.
Comment: The SALL4 c.2121G>C variant is predicted to result in the amino acid substitution p.Lys707Asn. To our knowledge, this variant has not been reported in the literature or in a large population database, indicating this variant is rare. At this time, the clinical significance of this variant is uncertain due to the absence of conclusive functional and genetic evidence.

NM_020436.5(SALL4):c.2121G>C (p.Lys707Asn)

Gene: SALL4 (spalt like transcription factor 4; minus strand). Cytogenetic location: 20q13.2.
Variant type: single nucleotide variant.
Coding change: c.2121G>C on transcript NM_020436.5 (MANE Select); coding-DNA position 2121, G replaced by C.
Protein change: p.Lys707Asn; replaces lysine 707 with asparagine.
Molecular consequence: missense variant. On other transcripts: intron variant (1).
Genome position (GRCh38, 1-based): chr20:51,790,362, C>G on the plus strand (G>C on the coding strand, the complement: SALL4 is on the minus strand). VCF-style: chr20-51790362-C-G. GRCh37 (hg19) VCF-style: chr20-50406901-C-G.
Other names: c.1150+971G>C (NM_001318031.2); short protein forms K707N.
Identifiers: ClinVar variation 3348930 (VCV003348930.1).
Genomic context (GRCh38, chr20:51,790,362, plus strand): 5'-CATCATGGCAAACCCTAGCGTGGGTGATGCCGAGTGGATGCTGGGAAGAGGCGTGGGGAC[C>G]TTGGAGGAGCTGCTGGGAGCCTCCTGGGAGCTGACTTCCTCTACATCGATGCTTTCGATG-3'
Protein context (NP_065169.1, residues 697-717): SSQEAPSSSS[Lys707Asn]VPTPLPSIHS